The following is an entry in ClinVar:

ClinVar aggregate classification (germline): Uncertain significance. Review status: criteria provided, multiple submitters, no conflicts (2 of 4 stars). 3 submissions from 3 submitters: Uncertain significance (3). Last evaluated 2023-08-15.

Conditions:
Malignant hyperthermia, susceptibility to, 1 (MHS1). Also called: RYR1-Related Malignant Hyperthermia Susceptibility; Malignant hyperthermia suceptibility 1; Anesthesia related hyperthermia; Malignant hyperpyrexia; Fulminating hyperpyrexia; Pharmacogenic myopathy. Identifiers: Orphanet 423, MedGen C2930980, MONDO:0007783, OMIM 145600.

Submissions (3):

All of Us Research Program, National Institutes of Health
Classification: Uncertain significance for Malignant hyperthermia, susceptibility to, 1. Last evaluated: 2023-08-15. Review status: criteria provided, single submitter. Criteria: ACMG Guidelines, 2015. Collection method: clinical testing. Allele origin: germline. Inheritance: Autosomal dominant inheritance. Observed: 1 variant allele, 1 heterozygote.
Comment: This missense variant replaces asparagine with histidine at codon 646 of the RYR1 protein. Computational prediction suggests that this variant may have deleterious impact on protein structure and function (internally defined REVEL score threshold >= 0.7, PMID: 27666373). To our knowledge, functional studies have not been reported for this variant. This variant has not been reported in individuals affected with RYR1-related disorders in the literature. This variant has not been identified in the general population by the Genome Aggregation Database (gnomAD). The available evidence is insufficient to determine the role of this variant in disease conclusively. Therefore, this variant is classified as a Variant of Uncertain Significance.

This study involves interpretation of variants in research participants for the purpose of population health screening. Participant phenotype was not available at the time of variant classification. Additional details can be found in publication PMID: 35346344, PMCID: PMC8962531

Color Diagnostics, LLC DBA Color Health
Classification: Uncertain significance for Malignant hyperthermia, susceptibility to, 1. Last evaluated: 2023-07-20. Review status: criteria provided, single submitter. Criteria: ACMG Guidelines, 2015. Collection method: clinical testing. Allele origin: germline.
Comment: This missense variant replaces asparagine with histidine at codon 646 of the RYR1 protein. Computational prediction suggests that this variant may have deleterious impact on protein structure and function. To our knowledge, functional studies have not been reported for this variant. This variant has not been reported in individuals affected with RYR1-related disorders in the literature. This variant has not been identified in the general population by the Genome Aggregation Database (gnomAD). The available evidence is insufficient to determine the role of this variant in disease conclusively. Therefore, this variant is classified as a Variant of Uncertain Significance.

GeneDx
Classification: Uncertain significance. Last evaluated: 2017-03-03. Review status: criteria provided, single submitter. Criteria: GeneDx Variant Classification (06012015). Collection method: clinical testing. Allele origin: germline. Affected: yes.
Comment: The N646H variant in the RYR1 gene has not been reported previously as a pathogenic variant, nor as a benign variant, to our knowledge. The N646H variant is not observed in large population cohorts (Lek et al., 2016; 1000 Genomes Consortium et al., 2015; Exome Variant Server). The N646H variant is a semi-conservative amino acid substitution, which may impact secondary protein structure as these residues differ in some properties. This substitution occurs at a position that is conserved across species. In silico analysis predicts this variant is probably damaging to the protein structure/function. We interpret N646H as a variant of uncertain significance.

NM_000540.3(RYR1):c.1936A>C (p.Asn646His)

Gene: RYR1 (ryanodine receptor 1; plus strand). Cytogenetic location: 19q13.2.
Variant type: single nucleotide variant.
Coding change: c.1936A>C on transcript NM_000540.3 (MANE Select); coding-DNA position 1936, A replaced by C.
Protein change: p.Asn646His; replaces asparagine 646 with histidine.
Molecular consequence: missense variant.
Genome position (GRCh38, 1-based): chr19:38,458,061, A>C. VCF-style: chr19-38458061-A-C. GRCh37 (hg19) VCF-style: chr19-38948701-A-C.
Other names: c.1936A>C, p.Asn646His (NM_001042723.2); short protein forms N646H.
Identifiers: ClinVar variation 424070 (VCV000424070.4), dbSNP rs1064796780, ClinGen allele CA16620826.